The following is an entry in ClinVar:

ClinVar aggregate classification (germline): Uncertain significance (1 of 4 stars; one submission).

Conditions:
Hyperaldosteronism, familial, type IV (HALD4). Also called: FH IV; ALDOSTERONISM, PRIMARY, AND HYPERTENSION. Identifiers: Orphanet 642671, MedGen C4310756, MONDO:0014875, OMIM 617027.
Idiopathic generalized epilepsy. Also called: EIG; Generalised epilepsy. Identifiers: MedGen C0270850, MONDO:0005579, OMIM 600669.

Allele frequency attached by ClinVar (database versions not stated): TOPMed 0.00001; gnomAD 0.00002 and 0.00003; ExAC 0.00007; 1000 Genomes Project 30x 0.00016; 1000 Genomes Project 0.00020.
gnomAD v4.1: 22 of 1,564,568 alleles (0.0014%); highest among the groups gnomAD compares: Admixed American, 0.0057%; no homozygotes.

Submission:

Labcorp Genetics (formerly Invitae), Labcorp
Classification: Uncertain significance for Idiopathic generalized epilepsy; Hyperaldosteronism, familial, type IV. Last evaluated: 2024-02-17. Review status: criteria provided, single submitter. Criteria: Invitae Variant Classification Sherloc (09022015). Collection method: clinical testing. Allele origin: germline.
Comment: This sequence change falls in intron 7 of the CACNA1H gene. It does not directly change the encoded amino acid sequence of the CACNA1H protein. It affects a nucleotide within the consensus splice site. This variant is present in population databases (rs559931034, gnomAD 0.004%). This variant has not been reported in the literature in individuals affected with CACNA1H-related conditions. ClinVar contains an entry for this variant (Variation ID: 653925). Variants that disrupt the consensus splice site are a relatively common cause of aberrant splicing (PMID: 17576681, 9536098). Algorithms developed to predict the effect of sequence changes on RNA splicing suggest that this variant is not likely to affect RNA splicing. In summary, the available evidence is currently insufficient to determine the role of this variant in disease. Therefore, it has been classified as a Variant of Uncertain Significance.

Literature cited by the submitters: PubMed 17576681; PubMed 9536098.

NM_021098.3(CACNA1H):c.1120-3C>T

Gene: CACNA1H (calcium voltage-gated channel subunit alpha1 H; plus strand). Cytogenetic location: 16p13.3.
Variant type: single nucleotide variant.
Coding change: c.1120-3C>T on transcript NM_021098.3 (MANE Select); 3 bases into the intron before coding-DNA position 1120, C replaced by T.
Molecular consequence: intron variant.
Genome position (GRCh38, 1-based): chr16:1,200,713, C>T. VCF-style: chr16-1200713-C-T. GRCh37 (hg19) VCF-style: chr16-1250713-C-T.
Other names: c.1120-3C>T (NM_001005407.2).
Identifiers: ClinVar variation 653925 (VCV000653925.9), dbSNP rs559931034, ClinGen allele CA7799820.